The following is an entry in ClinVar:

ClinVar aggregate classification (germline): Benign/Likely benign. Review status: criteria provided, multiple submitters, no conflicts (2 of 4 stars). 3 submissions from 3 submitters: Benign (1); Likely benign (1). 1 of the submissions does not count toward it. Last evaluated 2025-12-28.

Conditions:
CSPP1-related disorder. Also called: CSPP1-related condition.
Joubert syndrome 21 (JBTS21). Identifiers: MedGen C3810212, MONDO:0014288, OMIM 615636.

Allele frequency attached by ClinVar (database versions not stated): gnomAD exomes 0.00008 and 0.00024; gnomAD 0.00009 and 0.00012; TOPMed 0.00012; ExAC 0.00023; 1000 Genomes Project 30x 0.00047; 1000 Genomes Project 0.00060.
gnomAD v4.1: 142 of 1,611,668 alleles (0.0088%); highest among the groups gnomAD compares: East Asian, 0.16%; no homozygotes.

Submissions (3):

Labcorp Genetics (formerly Invitae), Labcorp
Classification: Likely benign for Joubert syndrome 21. Last evaluated: 2025-12-28. Review status: criteria provided, single submitter. Criteria: Invitae Variant Classification Sherloc (09022015). Collection method: clinical testing. Allele origin: germline.

Blueprint Genetics
Classification: Benign. Last evaluated: 2024-09-13. Review status: criteria provided, single submitter. Criteria: ACMG Guidelines, 2015. Collection method: clinical testing. Allele origin: germline.

PreventionGenetics, part of Exact Sciences
Classification: Likely benign for CSPP1-related condition. Last evaluated: 2024-05-20. Review status: no assertion criteria provided. Collection method: clinical testing. Allele origin: germline. Not counted in ClinVar's aggregate classification.
Comment: This variant is classified as likely benign based on ACMG/AMP sequence variant interpretation guidelines (Richards et al. 2015 PMID: 25741868, with internal and published modifications).

NM_001382391.1(CSPP1):c.964C>T (p.His322Tyr)

Gene: CSPP1 (centrosome and spindle pole associated protein 1; plus strand). Cytogenetic location: 8q13.2.
Variant type: single nucleotide variant.
Coding change: c.964C>T on transcript NM_001382391.1 (MANE Select); coding-DNA position 964, C replaced by T.
Protein change: p.His322Tyr; replaces histidine 322 with tyrosine.
Molecular consequence: missense variant. On other transcripts: intron variant (1).
Genome position (GRCh38, 1-based): chr8:67,103,077, C>T. VCF-style: chr8-67103077-C-T. GRCh37 (hg19) VCF-style: chr8-68015312-C-T.
Other names: c.109C>T, p.His37Tyr (NM_001291339.2); c.883C>T, p.His295Tyr (NM_001363131.2, NM_001363133.2); c.964C>T, p.His322Tyr (NM_001363132.2); c.1072C>T, p.His358Tyr (NM_001364869.1); c.991C>T, p.His331Tyr (NM_024790.7); c.951-2828C>T (NM_001364870.1); short protein forms H295Y, H322Y, H331Y, H358Y, H37Y.
Identifiers: ClinVar variation 1083466 (VCV001083466.11), dbSNP rs145635985, ClinGen allele CA4770401.